The following is an entry in ClinVar:

NM_001365536.1(SCN9A):c.1462C>G (p.Leu488Val)

Genes: SCN9A (sodium voltage-gated channel alpha subunit 9; minus strand), SCN1A-AS1 (SCN1A and SCN9A antisense RNA 1; plus strand). Cytogenetic location: 2q24.3.
Variant type: single nucleotide variant.
Coding change: c.1462C>G on transcript NM_001365536.1 (MANE Select); coding-DNA position 1462, C replaced by G.
Protein change: p.Leu488Val; replaces leucine 488 with valine.
Molecular consequence: missense variant.
Genome position (GRCh38, 1-based): chr2:166,286,476, G>C on the plus strand (C>G on the coding strand, the complement: SCN9A is on the minus strand). VCF-style: chr2-166286476-G-C. GRCh37 (hg19) VCF-style: chr2-167142986-G-C.
Other names: c.1462C>G, p.Leu488Val (NM_002977.4); short protein forms L488V.
Identifiers: ClinVar variation 1370204 (VCV001370204.8), dbSNP rs1697749294, ClinGen allele CA349084687.
Genomic context (GRCh38, chr2:166,286,476, plus strand): 5'-TGTCCTCTGATTCTGATTTCGACAATTTCTCAGCATCTCCCTTTTCCTCTCCACTGGAGA[G>C]CTTCTTTTGATTCTTTTTCTTTCTTCTGTTTCTTCTTTCTTTAGCACTTTTAGAGCTCAG-3'
Protein context (NP_001352465.1, residues 478-498): NRRKKKNQKK[Leu488Val]SSGEEKGDAE

ClinVar aggregate classification (germline): Uncertain significance (1 of 4 stars; one submission).

Conditions:
Generalized epilepsy with febrile seizures plus, type 7 (GEFSP7). Also called: GEFS+, TYPE 7. Identifiers: Orphanet 36387, MedGen C2751778, MONDO:0013470, OMIM 613863.
Neuropathy, hereditary sensory and autonomic, type 2A (HSAN2A). Also called: WNK1-Related HSAN2 (HSAN2A); HSAN IIA; NEUROPATHY, CONGENITAL SENSORY; MORVAN DISEASE; NEUROPATHY, HEREDITARY SENSORY RADICULAR, AUTOSOMAL RECESSIVE; NEUROPATHY, HEREDITARY SENSORY, TYPE IIA. Identifiers: Orphanet 970, MedGen C2752089, MONDO:0024309, OMIM 201300.

Submission:

Labcorp Genetics (formerly Invitae), Labcorp
Classification: Uncertain significance for Neuropathy, hereditary sensory and autonomic, type 2A; Generalized epilepsy with febrile seizures plus, type 7. Last evaluated: 2022-08-15. Review status: criteria provided, single submitter. Criteria: Invitae Variant Classification Sherloc (09022015). Collection method: clinical testing. Allele origin: germline.
Comment: Algorithms developed to predict the effect of sequence changes on RNA splicing suggest that this variant may create or strengthen a splice site. Algorithms developed to predict the effect of missense changes on protein structure and function (SIFT, PolyPhen-2, Align-GVGD) all suggest that this variant is likely to be tolerated. ClinVar contains an entry for this variant (Variation ID: 1370204). This variant has not been reported in the literature in individuals affected with SCN9A-related conditions. This variant is not present in population databases (gnomAD no frequency). This sequence change replaces leucine, which is neutral and non-polar, with valine, which is neutral and non-polar, at codon 488 of the SCN9A protein (p.Leu488Val). In summary, the available evidence is currently insufficient to determine the role of this variant in disease. Therefore, it has been classified as a Variant of Uncertain Significance.